The following is an entry in ClinVar:

NM_001641.4(APEX1):c.807T>C (p.Tyr269=)

Genes: APEX1 (apurinic/apyrimidinic endodeoxyribonuclease 1; plus strand), LOC124958010 (Sharpr-MPRA regulatory region 9617; plus strand). Cytogenetic location: 14q11.2.
Variant type: single nucleotide variant.
Coding change: c.807T>C on transcript NM_001641.4 (MANE Select); coding-DNA position 807, T replaced by C.
Protein change: p.Tyr269=; no amino-acid change (tyrosine 269 retained).
Molecular consequence: synonymous variant.
Genome position (GRCh38, 1-based): chr14:20,457,358, T>C. VCF-style: chr14-20457358-T-C. GRCh37 (hg19) VCF-style: chr14-20925517-T-C.
Other names: c.807T>C, p.Tyr269= (NM_001244249.2, NM_080648.3, NM_080649.3).
Identifiers: ClinVar variation 715662 (VCV000715662.5), dbSNP rs1065749, ClinGen allele CA7081655.

ClinVar aggregate classification (germline): Benign. Review status: criteria provided, single submitter (1 of 4 stars). 2 submissions from 2 submitters: Benign (1). 1 of the submissions does not count toward it. Last evaluated 2018-08-16.

Conditions:
APEX1-related disorder. Also called: APEX1-related condition.

Allele frequency attached by ClinVar (database versions not stated): gnomAD exomes 0.00086; ExAC 0.00099; 1000 Genomes Project 0.00120; 1000 Genomes Project 30x 0.00141; TOPMed 0.00374; gnomAD 0.00395; ESP Exome Variant Server 0.00431.
gnomAD v4.1: 1,254 of 1,614,240 alleles (0.078%); highest among the groups gnomAD compares: African/African-American, 1.2%; 5 homozygotes.

Submissions (2):

Labcorp Genetics (formerly Invitae), Labcorp
Classification: Benign. Last evaluated: 2018-08-16. Review status: criteria provided, single submitter. Criteria: Invitae Variant Classification Sherloc (09022015). Collection method: clinical testing. Allele origin: germline.

PreventionGenetics, part of Exact Sciences
Classification: Likely benign for APEX1-related condition. Last evaluated: 2019-02-18. Review status: no assertion criteria provided. Collection method: clinical testing. Allele origin: germline. Not counted in ClinVar's aggregate classification.
Comment: This variant is classified as likely benign based on ACMG/AMP sequence variant interpretation guidelines (Richards et al. 2015 PMID: 25741868, with internal and published modifications).